The following is an entry in ClinVar:

NM_020937.4(FANCM):c.5816A>G (p.Glu1939Gly)

Gene: FANCM (FA complementation group M; plus strand). Cytogenetic location: 14q21.2.
Variant type: single nucleotide variant.
Coding change: c.5816A>G on transcript NM_020937.4 (MANE Select); coding-DNA position 5816, A replaced by G.
Protein change: p.Glu1939Gly; replaces glutamic acid 1939 with glycine.
Molecular consequence: missense variant.
Genome position (GRCh38, 1-based): chr14:45,198,743, A>G. VCF-style: chr14-45198743-A-G. GRCh37 (hg19) VCF-style: chr14-45667946-A-G.
Other names: c.5738A>G, p.Glu1913Gly (NM_001308133.2); short protein forms E1939G, E1913G.
Identifiers: ClinVar variation 949802 (VCV000949802.10), dbSNP rs1890207596, ClinGen allele CA389586906.
Genomic context (GRCh38, chr14:45,198,743, plus strand): 5'-ACAGCCTGCTGACTACCTTAATTGGCGCTGGAATCCGAATTCTTTTCAGTTCCTGCCAAG[A>G]AGAAACCGCAGATTTGCTAAAGGAACTGTCTTTAGTGGAACAAAGAAAGAATGTTGGTAT-3'
Protein context (NP_065988.1, residues 1929-1949): GIRILFSSCQ[Glu1939Gly]ETADLLKELS

ClinVar aggregate classification (germline): Uncertain significance. Review status: criteria provided, multiple submitters, no conflicts (2 of 4 stars). 2 submissions from 2 submitters: Uncertain significance (2). Last evaluated 2025-11-02.

Conditions:
Inborn genetic diseases. Identifiers: MedGen C0950123, MeSH D030342.
Fanconi anemia (FA). Also called: Fanconi's anemia. Identifiers: Orphanet 84, MedGen C0015625, MeSH D005199, MONDO:0019391.

Allele frequency attached by ClinVar (database versions not stated): gnomAD exomes below 0.00001.
gnomAD v4.1: 2 of 1,614,096 alleles (0.00012%); highest among the groups gnomAD compares: South Asian, 0.0022%; no homozygotes.

Submissions (2):

Ambry Genetics
Classification: Uncertain significance for Inborn genetic diseases. Last evaluated: 2025-11-02. Review status: criteria provided, single submitter. Criteria: Ambry Variant Classification Scheme 2023. Collection method: clinical testing. Allele origin: germline.
Comment: The p.E1939G variant (also known as c.5816A>G), located in coding exon 22 of the FANCM gene, results from an A to G substitution at nucleotide position 5816. The glutamic acid at codon 1939 is replaced by glycine, an amino acid with similar properties. This amino acid position is conserved. In addition, this alteration is predicted to be tolerated by in silico analysis. Based on the available evidence, the clinical significance of this variant remains unclear.

Labcorp Genetics (formerly Invitae), Labcorp
Classification: Uncertain significance for Fanconi anemia. Last evaluated: 2019-08-08. Review status: criteria provided, single submitter. Criteria: Invitae Variant Classification Sherloc (09022015). Collection method: clinical testing. Allele origin: germline.
Comment: In summary, the available evidence is currently insufficient to determine the role of this variant in disease. Therefore, it has been classified as a Variant of Uncertain Significance. Algorithms developed to predict the effect of missense changes on protein structure and function are either unavailable or do not agree on the potential impact of this missense change (SIFT: "Deleterious"; PolyPhen-2: "Probably Damaging"; Align-GVGD: "Class C15"). This variant has not been reported in the literature in individuals with FANCM-related conditions. This variant is not present in population databases (ExAC no frequency). This sequence change replaces glutamic acid with glycine at codon 1939 of the FANCM protein (p.Glu1939Gly). The glutamic acid residue is highly conserved and there is a moderate physicochemical difference between glutamic acid and glycine.